The following is an entry in ClinVar:

ClinVar aggregate classification (germline): Pathogenic (1 of 4 stars; one submission).

Submission:

GeneDx
Classification: Pathogenic. Last evaluated: 2026-01-05. Review status: criteria provided, single submitter. Criteria: GeneDx Variant Classification Process June 2021. Collection method: clinical testing. Allele origin: germline.
Comment: Frameshift variant predicted to result in protein truncation or nonsense mediated decay in a gene for which loss of function is a known mechanism of disease; Not observed at significant frequency in large population cohorts (gnomAD); Has not been previously published as pathogenic or benign to our knowledge

NM_020987.5(ANK3):c.9349dup (p.Ile3117fs)

Gene: ANK3 (ankyrin 3; minus strand). Cytogenetic location: 10q21.2.
Variant type: Duplication.
Coding change: c.9349dup on transcript NM_020987.5 (MANE Select); coding-DNA position 9349, one base duplicated (A; older notation c.9349dupA).
Protein change: p.Ile3117fs; shifts the reading frame from isoleucine 3117.
Molecular consequence: frameshift variant. On other transcripts: intron variant (4).
Genome position (GRCh38, 1-based): chr10:60,071,532, T duplicated on the plus strand (A on the coding strand, the reverse complement: ANK3 is on the minus strand); the first of 8 consecutive T bases (chr10:60,071,532-60,071,539); duplicating any one gives the same sequence. VCF-style (leftmost placement, unchanged base first): chr10-60071531-A-AT. GRCh37 (hg19) VCF-style: chr10-61831289-A-AT.
Other names: c.4388-3523dup (NM_001204403.2); c.4409-3523dup (NM_001204404.2); c.4406-3523dup (NM_001320874.2); c.1808-3523dup (NM_001149.4); short protein forms I3117fs.
Identifiers: ClinVar variation 3776524 (VCV003776524.2).